The following is an entry in ClinVar:

NM_001321075.3(DLG4):c.712G>A (p.Val238Ile)

Gene: DLG4 (discs large MAGUK scaffold protein 4; minus strand). Cytogenetic location: 17p13.1.
Variant type: single nucleotide variant.
Coding change: c.712G>A on transcript NM_001321075.3 (MANE Select); coding-DNA position 712, G replaced by A.
Protein change: p.Val238Ile; replaces valine 238 with isoleucine.
Molecular consequence: missense variant. On other transcripts: non-coding transcript variant (1).
Genome position (GRCh38, 1-based): chr17:7,202,978, C>T on the plus strand (G>A on the coding strand, the complement: DLG4 is on the minus strand). VCF-style: chr17-7202978-C-T. GRCh37 (hg19) VCF-style: chr17-7106297-C-T.
Other names: c.532G>A, p.Val178Ile (NM_001321077.3, NM_001321076.3); c.841G>A, p.Val281Ile (NM_001365.5); c.631G>A, p.Val211Ile (NM_001369566.3); c.703G>A, p.Val235Ile (NM_001128827.4); c.832G>A, p.Val278Ile (NM_001321074.1); short protein forms V278I, V281I, V211I, V178I, V235I, V238I.
Identifiers: ClinVar variation 5035357 (VCV005035357.1).

ClinVar aggregate classification (germline): Uncertain significance (1 of 4 stars; one submission).

Conditions:
Inborn genetic diseases. Identifiers: MedGen C0950123, MeSH D030342.

Submission:

Ambry Genetics
Classification: Uncertain significance for Inborn genetic diseases. Last evaluated: 2026-08-27. Review status: criteria provided, single submitter. Criteria: Ambry Variant Classification Scheme 2023. Collection method: clinical testing. Allele origin: germline.
Comment: The c.841G>A (p.V281I) alteration is located in exon 10 (coding exon 10) of the DLG4 gene. This alteration results from a G to A substitution at nucleotide position 841, causing the valine (V) at amino acid position 281 to be replaced by an isoleucine (I). Based on data from gnomAD, the A allele has an overall frequency of <0.001% (1/249276) total alleles studied. The highest observed frequency was 0.001% (1/113018) of European (non-Finnish) alleles. Based on insufficient or conflicting evidence, the clinical significance of this alteration remains unclear.